The following is an entry in ClinVar:

ClinVar aggregate classification (germline): Uncertain significance (1 of 4 stars; one submission).

Conditions:
RASopathy. Also called: Noonan spectrum disorder; rasopathies. Identifiers: Orphanet 536391, MedGen C5555857, MONDO:0021060.

Submission:

Labcorp Genetics (formerly Invitae), Labcorp
Classification: Uncertain significance for RASopathy. Last evaluated: 2023-11-17. Review status: criteria provided, single submitter. Criteria: Invitae Variant Classification Sherloc (09022015). Collection method: clinical testing. Allele origin: germline.
Comment: This sequence change replaces proline, which is neutral and non-polar, with serine, which is neutral and polar, at codon 622 of the BRAF protein (p.Pro622Ser). This variant is not present in population databases (gnomAD no frequency). This variant has not been reported in the literature in individuals affected with BRAF-related conditions. Advanced modeling of protein sequence and biophysical properties (such as structural, functional, and spatial information, amino acid conservation, physicochemical variation, residue mobility, and thermodynamic stability) performed at Invitae indicates that this missense variant is not expected to disrupt BRAF protein function with a negative predictive value of 80%. In summary, the available evidence is currently insufficient to determine the role of this variant in disease. Therefore, it has been classified as a Variant of Uncertain Significance.

NM_004333.6(BRAF):c.1864C>T (p.Pro622Ser)

Gene: BRAF (B-Raf proto-oncogene, serine/threonine kinase; minus strand). Cytogenetic location: 7q34.
Variant type: single nucleotide variant.
Coding change: c.1864C>T on transcript NM_004333.6 (MANE Select); coding-DNA position 1864, C replaced by T.
Protein change: p.Pro622Ser; replaces proline 622 with serine.
Molecular consequence: missense variant.
Genome position (GRCh38, 1-based): chr7:140,749,415, G>A on the plus strand (C>T on the coding strand, the complement: BRAF is on the minus strand). VCF-style: chr7-140749415-G-A. GRCh37 (hg19) VCF-style: chr7-140449215-G-A.
Other names: c.1864C>T, p.Pro622Ser (NM_001354609.2, NM_001378468.1, NM_001378474.1); c.1984C>T, p.Pro662Ser (NM_001374244.1, NM_001374258.1); c.1873C>T, p.Pro625Ser (NM_001378467.1); c.1798C>T, p.Pro600Ser (NM_001378469.1); c.1762C>T, p.Pro588Ser (NM_001378470.1); c.1753C>T, p.Pro585Ser (NM_001378471.1); c.1708C>T, p.Pro570Ser (NM_001378472.1, NM_001378473.1); c.1600C>T, p.Pro534Ser (NM_001378475.1); short protein forms P588S, P625S, P662S, P534S, P570S, P600S, P585S, P622S.
Identifiers: ClinVar variation 2798545 (VCV002798545.3), dbSNP rs746074624, ClinGen allele CA369541484.